The following is an entry in ClinVar:

ClinVar aggregate classification (germline): Uncertain significance (1 of 4 stars; one submission).

Allele frequency attached by ClinVar (database versions not stated): gnomAD exomes below 0.00001.
gnomAD v4.1: 1 of 1,614,046 alleles (0.000062%); highest among the groups gnomAD compares: Admixed American, 0.0017%; no homozygotes.

Submission:

Labcorp Genetics (formerly Invitae), Labcorp
Classification: Uncertain significance. Last evaluated: 2022-03-25. Review status: criteria provided, single submitter. Criteria: Invitae Variant Classification Sherloc (09022015). Collection method: clinical testing. Allele origin: germline.
Comment: Algorithms developed to predict the effect of missense changes on protein structure and function are either unavailable or do not agree on the potential impact of this missense change (SIFT: "Deleterious"; PolyPhen-2: "Benign"; Align-GVGD: "Class C0"). This variant has not been reported in the literature in individuals affected with EFL1-related conditions. This variant is present in population databases (no rsID available, gnomAD 0.003%). This sequence change replaces threonine, which is neutral and polar, with alanine, which is neutral and non-polar, at codon 392 of the EFL1 protein (p.Thr392Ala). In summary, the available evidence is currently insufficient to determine the role of this variant in disease. Therefore, it has been classified as a Variant of Uncertain Significance.

NM_024580.6(EFL1):c.1174A>G (p.Thr392Ala)

Gene: EFL1 (elongation factor like GTPase 1; minus strand). Cytogenetic location: 15q25.2.
Variant type: single nucleotide variant.
Coding change: c.1174A>G on transcript NM_024580.6 (MANE Select); coding-DNA position 1174, A replaced by G.
Protein change: p.Thr392Ala; replaces threonine 392 with alanine.
Molecular consequence: missense variant. On other transcripts: non-coding transcript variant (1).
Genome position (GRCh38, 1-based): chr15:82,227,468, T>C on the plus strand (A>G on the coding strand, the complement: EFL1 is on the minus strand). VCF-style: chr15-82227468-T-C. GRCh37 (hg19) VCF-style: chr15-82519809-T-C.
Other names: c.1021A>G, p.Thr341Ala (NM_001040610.3); c.385A>G, p.Thr129Ala (NM_001322844.2); c.1174A>G, p.Thr392Ala (NM_001322845.2); short protein forms T392A, T129A, T341A.
Identifiers: ClinVar variation 2105389 (VCV002105389.4), dbSNP rs1256222296, ClinGen allele CA393277008.